The following is an entry in ClinVar:

NM_145059.3(FCSK):c.3225C>T (p.Thr1075=)

Gene: FCSK (fucose kinase; plus strand). Cytogenetic location: 16q22.1.
Variant type: single nucleotide variant.
Coding change: c.3225C>T on transcript NM_145059.3 (MANE Select); coding-DNA position 3225, C replaced by T.
Protein change: p.Thr1075=; no amino-acid change (threonine 1075 retained).
Molecular consequence: synonymous variant.
Genome position (GRCh38, 1-based): chr16:70,479,650, C>T. VCF-style: chr16-70479650-C-T. GRCh37 (hg19) VCF-style: chr16-70513553-C-T.
Other names: c.3225C>T (NM_145059.2).
Identifiers: ClinVar variation 1682406 (VCV001682406.34), dbSNP rs199905558, ClinGen allele CA8143918.
Genomic context (GRCh38, chr16:70,479,650, plus strand): 5'-TTACAGCATCCACCTGGTTGAAGTGGACACTCAGGGCCTGAGCCTGAAGCTGCTGGGGAC[C>T]GAGGCCTCAACCTGTTGCCCTTTCCCATGAAGCTGGCTTCTCTCTGCAACAGGAGAAAAC-3'
Protein context (NP_659496.2, residues 1065-1084): TQGLSLKLLG[Thr1075=]EASTCCPFP

ClinVar aggregate classification (germline): Benign/Likely benign. Review status: criteria provided, multiple submitters, no conflicts (2 of 4 stars). 4 submissions from 4 submitters: Benign (1); Likely benign (2). 1 of the submissions does not count toward it. Last evaluated 2026-01-01.

Conditions:
FCSK-related disorder. Also called: FCSK-related condition.

Allele frequency attached by ClinVar (database versions not stated): 1000 Genomes Project 0.00120; 1000 Genomes Project 30x 0.00125; gnomAD 0.00240 and 0.00249; ESP Exome Variant Server 0.00266; gnomAD exomes 0.00285; ExAC 0.00297.
gnomAD v4.1: 5,558 of 1,614,000 alleles (0.34%); highest among the groups gnomAD compares: Non-Finnish European, 0.4%; 12 homozygotes.

Submissions (4):

Labcorp Genetics (formerly Invitae), Labcorp
Classification: Benign. Last evaluated: 2026-01-01. Review status: criteria provided, single submitter. Criteria: Invitae Variant Classification Sherloc (09022015). Collection method: clinical testing. Allele origin: germline.

CeGaT Center for Human Genetics Tuebingen
Classification: Likely benign. Last evaluated: 2025-10-01. Review status: criteria provided, single submitter. Criteria: CeGaT Center For Human Genetics Tuebingen Variant Classification Criteria Version 2. Collection method: clinical testing. Allele origin: germline. Affected: yes. Observed: 2 variant alleles.
Comment: FCSK: BP4, BP7

Blueprint Genetics
Classification: Likely benign. Last evaluated: 2024-11-25. Review status: criteria provided, single submitter. Criteria: ACMG Guidelines, 2015. Collection method: clinical testing. Allele origin: germline.

PreventionGenetics, part of Exact Sciences
Classification: Likely benign for FCSK-related condition. Last evaluated: 2019-05-10. Review status: no assertion criteria provided. Collection method: clinical testing. Allele origin: germline. Not counted in ClinVar's aggregate classification.
Comment: This variant is classified as likely benign based on ACMG/AMP sequence variant interpretation guidelines (Richards et al. 2015 PMID: 25741868, with internal and published modifications).